The following is an entry in ClinVar:

NM_017654.4(SAMD9):c.2471G>A (p.Arg824Gln)

Gene: SAMD9 (sterile alpha motif domain containing 9; minus strand). Cytogenetic location: 7q21.2.
Variant type: single nucleotide variant.
Coding change: c.2471G>A on transcript NM_017654.4 (MANE Select); coding-DNA position 2471, G replaced by A.
Protein change: p.Arg824Gln; replaces arginine 824 with glutamine.
Molecular consequence: missense variant.
Genome position (GRCh38, 1-based): chr7:93,103,627, C>T on the plus strand (G>A on the coding strand, the complement: SAMD9 is on the minus strand). VCF-style: chr7-93103627-C-T. GRCh37 (hg19) VCF-style: chr7-92732940-C-T.
Other names: c.2471G>A, p.Arg824Gln (NM_001193307.2); c.2471G>A (NM_017654.3).
Identifiers: ClinVar variation 1343336 (VCV001343336.13), dbSNP rs1435946172, ClinGen allele CA368190470.

ClinVar aggregate classification (germline): Pathogenic. Review status: criteria provided, multiple submitters, no conflicts (2 of 4 stars). 5 submissions from 5 submitters: Pathogenic (5). Last evaluated 2024-10-08.

Conditions:
MIRAGE syndrome. Also called: MYELODYSPLASIA, INFECTION, RESTRICTION OF GROWTH, ADRENAL HYPOPLASIA, GENITAL PHENOTYPES, AND ENTEROPATHY. Identifiers: Orphanet 494433, MedGen C4284088, MONDO:0014888, OMIM 617053.
SAMD9-related disorder. Also called: SAMD9-related condition.

Allele frequency attached by ClinVar (database versions not stated): TOPMed below 0.00001.

Submissions (5):

GeneDx
Classification: Pathogenic. Last evaluated: 2024-10-08. Review status: criteria provided, single submitter. Criteria: GeneDx Variant Classification Process June 2021. Collection method: clinical testing. Allele origin: germline. Affected: yes.
Comment: Published functional studies suggest a damaging effect: decreased cell proliferation and increased cell death (PMID: 31620126, 29266745); In silico analysis indicates that this missense variant does not alter protein structure/function; Not observed at significant frequency in large population cohorts (gnomAD); This variant is associated with the following publications: (PMID: 29266745, 31620126, 31785789, 33902229, Sills_2021, 36658419, 36730951, 33057194, 35707773, 35982159, 28545555)

PreventionGenetics, part of Exact Sciences
Classification: Pathogenic for SAMD9-related condition. Last evaluated: 2023-06-23. Review status: criteria provided, single submitter. Criteria: ACMG Guidelines, 2015. Collection method: clinical testing. Allele origin: germline.
Comment: The SAMD9 c.2471G>A variant is predicted to result in the amino acid substitution p.Arg824Gln. This variant was reported as de novo in two unrelated patients with MIRAGE syndrome (Jeffries et al. 2018. PubMed ID: 29266745; Zheng et al. 2021. PubMed ID: 33902229). This variant was also reported in another patient with severe gastrointestinal involvement and immunodeficiency, but without features of adrenal insufficiency (Formankova et al. 2019. PubMed ID: 31620126). Functional studies suggest that this variant led to restricted growth and increased in cell death (Jeffries et al. 2018. PubMed ID: 29266745; Formankova et al. 2019. PubMed ID: 31620126). This variant has not been reported in a large population database, indicating this variant is rare. This variant is interpreted as pathogenic.

Blueprint Genetics
Classification: Pathogenic for SAMD9-related disorders. Last evaluated: 2023-02-10. Review status: criteria provided, single submitter. Criteria: ACMG Guidelines, 2015. Collection method: clinical testing. Allele origin: de novo. Affected: yes. Observed: 3 variant alleles.

Labcorp Genetics (formerly Invitae), Labcorp
Classification: Pathogenic. Last evaluated: 2022-12-09. Review status: criteria provided, single submitter. Criteria: Invitae Variant Classification Sherloc (09022015). Collection method: clinical testing. Allele origin: germline.
Comment: For these reasons, this variant has been classified as Pathogenic. Experimental studies have shown that this missense change affects SAMD9 function (PMID: 29266745, 31620126). Advanced modeling of protein sequence and biophysical properties (such as structural, functional, and spatial information, amino acid conservation, physicochemical variation, residue mobility, and thermodynamic stability) performed at Invitae indicates that this missense variant is not expected to disrupt SAMD9 protein function. ClinVar contains an entry for this variant (Variation ID: 1343336). This missense change has been observed in individual(s) with MIRAGE syndrome (PMID: 29266745, 31620126). In at least one individual the variant was observed to be de novo. This variant is not present in population databases (gnomAD no frequency). This sequence change replaces arginine, which is basic and polar, with glutamine, which is neutral and polar, at codon 824 of the SAMD9 protein (p.Arg824Gln).

Pediatric Genomics Discovery Program, Yale University
Classification: Pathogenic for MIRAGE syndrome. Last evaluated: 2022-02-25. Review status: criteria provided, single submitter. Criteria: ACMG Guidelines, 2015. Collection method: research. Allele origin: de novo. Inheritance: Autosomal dominant inheritance. Affected: yes. Observed: 1 heterozygote.
Comment: The Arg824Glu variant in SAMD9 has been reported in multiple individuals in separate publications who have a spectrum of findings in line with the highly variable, dominant MIRAGE syndrome (Jeffries 2018, Formankova 2019). It was reported to occur de novo in these three affected individuals. The variant is absent from a large population database (Karczewski 2020). Additionally in vitro functional studies show the Arg824Glu variant leads to significant growth restriction compared to wild type protein in induced, stably transfected HEK293 cells (Jeffries 2018) - this assay was performed in collaboration with the syndrome's discoverer who utilized the method to characterize the initial pathogenic variants (Narumi 2016). In summary, the Arg824Glu variant meets criteria to be considered pathogenic based on segregation studies, absence from controls, and functional evidence.

Literature cited by the submitters: PubMed 29266745 (cited by Labcorp Genetics (formerly Invitae), Labcorp and Pediatric Genomics Discovery Program, Yale University); PubMed 31620126 (cited by Labcorp Genetics (formerly Invitae), Labcorp and Pediatric Genomics Discovery Program, Yale University); DOI 10.1038/s41586-020-2308-7 (cited by Pediatric Genomics Discovery Program, Yale University); PubMed 27182967 (cited by Pediatric Genomics Discovery Program, Yale University).